The following is an entry in ClinVar:

ClinVar aggregate classification (germline): Uncertain significance. Review status: criteria provided, multiple submitters, no conflicts (2 of 4 stars). 2 submissions from 2 submitters: Uncertain significance (2). Last evaluated 2024-09-29.

Conditions:
Cardiovascular phenotype. Identifiers: MedGen CN230736.
Spinocerebellar ataxia type 19/22 (SCA19). Also called: SPINOCEREBELLAR ATAXIA 19; SPINOCEREBELLAR ATAXIA 22. Identifiers: Orphanet 98772, MedGen C1846367, MONDO:0011819, OMIM 607346.

Allele frequency attached by ClinVar (database versions not stated): ExAC 0.00001; TOPMed 0.00003.
gnomAD v4.1: 10 of 1,613,802 alleles (0.00062%); highest among the groups gnomAD compares: Admixed American, 0.005%; no homozygotes.

Submissions (2):

Labcorp Genetics (formerly Invitae), Labcorp
Classification: Uncertain significance for Spinocerebellar ataxia type 19/22. Last evaluated: 2024-09-29. Review status: criteria provided, single submitter. Criteria: Invitae Variant Classification Sherloc (09022015). Collection method: clinical testing. Allele origin: germline.
Comment: This sequence change creates a premature translational stop signal (p.Arg501*) in the KCND3 gene. It is expected to result in an absent or disrupted protein product. However, the current clinical and genetic evidence is not sufficient to establish whether loss-of-function variants in KCND3 cause disease. This variant is present in population databases (rs752361842, gnomAD 0.003%). This variant has not been reported in the literature in individuals affected with KCND3-related conditions. ClinVar contains an entry for this variant (Variation ID: 1774027). Algorithms developed to predict the effect of sequence changes on RNA splicing suggest that this variant may disrupt the consensus splice site. In summary, the available evidence is currently insufficient to determine the role of this variant in disease. Therefore, it has been classified as a Variant of Uncertain Significance.

Ambry Genetics
Classification: Uncertain significance for Cardiovascular phenotype. Last evaluated: 2021-01-20. Review status: criteria provided, single submitter. Criteria: Ambry Variant Classification Scheme 2023. Collection method: clinical testing. Allele origin: germline.
Comment: The p.R501* variant (also known as c.1501C>T), located in coding exon 5 of the KCND3 gene, results from a C to T substitution at nucleotide position 1501. This changes the amino acid from an arginine to a stop codon within coding exon 5. This alteration is expected to result in premature protein truncation or nonsense-mediated mRNA decay. However, loss of function of KCND3 has not been clearly established as a mechanism of disease. Since supporting evidence is limited at this time, the clinical significance of this alteration remains unclear.

NM_001378969.1(KCND3):c.1501C>T (p.Arg501Ter)

Gene: KCND3 (potassium voltage-gated channel subfamily D member 3; minus strand). Cytogenetic location: 1p13.2.
Variant type: single nucleotide variant.
Coding change: c.1501C>T on transcript NM_001378969.1 (MANE Select); coding-DNA position 1501, C replaced by T.
Protein change: p.Arg501Ter; replaces arginine 501 with a stop codon.
Molecular consequence: nonsense. On other transcripts: intron variant (2).
Genome position (GRCh38, 1-based): chr1:111,778,453, G>A on the plus strand (C>T on the coding strand, the complement: KCND3 is on the minus strand). VCF-style: chr1-111778453-G-A. GRCh37 (hg19) VCF-style: chr1-112321075-G-A.
Other names: c.1501C>T, p.Arg501Ter (NM_004980.5); c.1462-1180C>T (NM_001378970.1, NM_172198.3); short protein forms R501*.
Identifiers: ClinVar variation 1774027 (VCV001774027.4), dbSNP rs752361842, ClinGen allele CA1007416.